The following is an entry in ClinVar:

ClinVar aggregate classification (germline): Uncertain significance (1 of 4 stars; one submission).

Submission:

Labcorp Genetics (formerly Invitae), Labcorp
Classification: Uncertain significance. Last evaluated: 2022-10-17. Review status: criteria provided, single submitter. Criteria: Invitae Variant Classification Sherloc (09022015). Collection method: clinical testing. Allele origin: germline.
Comment: This variant has not been reported in the literature in individuals affected with TTLL5-related conditions. This sequence change replaces tyrosine, which is neutral and polar, with cysteine, which is neutral and slightly polar, at codon 67 of the TTLL5 protein (p.Tyr67Cys). This variant is not present in population databases (gnomAD no frequency). In summary, the available evidence is currently insufficient to determine the role of this variant in disease. Therefore, it has been classified as a Variant of Uncertain Significance. Advanced modeling of protein sequence and biophysical properties (such as structural, functional, and spatial information, amino acid conservation, physicochemical variation, residue mobility, and thermodynamic stability) performed at Invitae indicates that this missense variant is not expected to disrupt TTLL5 protein function.

NM_015072.5(TTLL5):c.200A>G (p.Tyr67Cys)

Gene: TTLL5 (tubulin tyrosine ligase like 5; plus strand). Cytogenetic location: 14q24.3.
Variant type: single nucleotide variant.
Coding change: c.200A>G on transcript NM_015072.5 (MANE Select); coding-DNA position 200, A replaced by G.
Protein change: p.Tyr67Cys; replaces tyrosine 67 with cysteine.
Molecular consequence: missense variant.
Genome position (GRCh38, 1-based): chr14:75,681,563, A>G. VCF-style: chr14-75681563-A-G. GRCh37 (hg19) VCF-style: chr14-76147906-A-G.
Other names: short protein forms Y67C.
Identifiers: ClinVar variation 1715656 (VCV001715656.5), dbSNP rs2504274354, ClinGen allele CA390451980.